The following is an entry in ClinVar:

ClinVar aggregate classification (germline): Uncertain significance (1 of 4 stars; one submission).

Conditions:
Nephrotic syndrome, type 2 (NPHS2). Also called: NEPHROTIC SYNDROME, STEROID-RESISTANT, AUTOSOMAL RECESSIVE. Identifiers: Orphanet 656, MedGen C1868672, MONDO:0010974, OMIM 600995.

gnomAD v4.1: 9 of 1,614,058 alleles (0.00056%); highest among the groups gnomAD compares: East Asian, 0.0022%; no homozygotes.

Submission:

MVZ Medizinische Genetik Mainz
Classification: Uncertain significance for Nephrotic syndrome, type 2. Last evaluated: 2026-05-06. Review status: criteria provided, single submitter. Criteria: UK Practice Guidelines For Variant Classification V4 01 2020. Collection method: clinical testing. Allele origin: germline. Inheritance: Autosomal recessive inheritance. Observed: 1 variant allele.
Comment: ACMG Criteria: PM2_SUP,PM3_SUP,PM5_SUP,PP3

NM_014625.4(NPHS2):c.925G>A (p.Ala309Thr)

Genes: AXDND1 (axonemal dynein light chain domain containing 1; plus strand), NPHS2 (NPHS2 stomatin family member, podocin; minus strand). Cytogenetic location: 1q25.2.
Variant type: single nucleotide variant.
Coding change: c.925G>A on transcript NM_014625.4 (MANE Select); coding-DNA position 925, G replaced by A.
Protein change: p.Ala309Thr; replaces alanine 309 with threonine.
Molecular consequence: missense variant. On other transcripts: intron variant (1).
Genome position (GRCh38, 1-based): chr1:179,551,400, C>T on the plus strand (G>A on the coding strand, the complement: NPHS2 is on the minus strand). VCF-style: chr1-179551400-C-T. GRCh37 (hg19) VCF-style: chr1-179520535-C-T.
Other names: c.3032-3112C>T (NM_144696.6); c.721G>A, p.Ala241Thr (NM_001297575.2); short protein forms A241T, A309T.
Identifiers: ClinVar variation 4852356 (VCV004852356.1).